The following is an entry in ClinVar:

NM_000078.3(CETP):c.374G>T (p.Gly125Val)

Gene: CETP (cholesteryl ester transfer protein; plus strand). Cytogenetic location: 16q13.
Variant type: single nucleotide variant.
Coding change: c.374G>T on transcript NM_000078.3 (MANE Select); coding-DNA position 374, G replaced by T.
Protein change: p.Gly125Val; replaces glycine 125 with valine.
Molecular consequence: missense variant.
Genome position (GRCh38, 1-based): chr16:56,969,616, G>T. VCF-style: chr16-56969616-G-T. GRCh37 (hg19) VCF-style: chr16-57003528-G-T.
Other names: c.374G>T, p.Gly125Val (NM_001286085.2); short protein forms G125V.
Identifiers: ClinVar variation 4707685 (VCV004707685.1).

ClinVar aggregate classification (germline): Uncertain significance (1 of 4 stars; one submission).

gnomAD v4.1: 3 of 1,614,072 alleles (0.00019%); highest among the groups gnomAD compares: Admixed American, 0.0033%; no homozygotes.

Submission:

Labcorp Genetics (formerly Invitae), Labcorp
Classification: Uncertain significance. Last evaluated: 2025-06-11. Review status: criteria provided, single submitter. Criteria: Invitae Variant Classification Sherloc (09022015). Collection method: clinical testing. Allele origin: germline.
Comment: This sequence change replaces glycine, which is neutral and non-polar, with valine, which is neutral and non-polar, at codon 125 of the CETP protein (p.Gly125Val). This variant is present in population databases (rs757113917, gnomAD 0.003%). This variant has not been reported in the literature in individuals affected with CETP-related conditions. Invitae Evidence Modeling of protein sequence and biophysical properties (such as structural, functional, and spatial information, amino acid conservation, physicochemical variation, residue mobility, and thermodynamic stability) indicates that this missense variant is not expected to disrupt CETP protein function with a negative predictive value of 80%. In summary, the available evidence is currently insufficient to determine the role of this variant in disease. Therefore, it has been classified as a Variant of Uncertain Significance.